The following is an entry in ClinVar:

NM_001368882.1(COL13A1):c.2132C>T (p.Ala711Val)

Gene: COL13A1 (collagen type XIII alpha 1 chain; plus strand). Cytogenetic location: 10q22.1.
Variant type: single nucleotide variant.
Coding change: c.2132C>T on transcript NM_001368882.1 (MANE Select); coding-DNA position 2132, C replaced by T.
Protein change: p.Ala711Val; replaces alanine 711 with valine.
Molecular consequence: missense variant. On other transcripts: intron variant (7).
Genome position (GRCh38, 1-based): chr10:69,952,955, C>T. VCF-style: chr10-69952955-C-T. GRCh37 (hg19) VCF-style: chr10-71712711-C-T.
Other names: c.2099C>T, p.Ala700Val (NM_001130103.2); c.1988C>T, p.Ala663Val (NM_001320951.2); c.1946C>T, p.Ala649Val (NM_001368884.1); c.1919C>T, p.Ala640Val (NM_001368895.1); c.1883C>T, p.Ala628Val (NM_080798.4); c.2006C>T, p.Ala669Val (NM_080800.4); c.2033C>T, p.Ala678Val (NM_080801.4); c.1952C>T, p.Ala651Val (NM_080802.4); and 7 more; short protein forms A628V, A640V, A649V, A651V, A663V, A669V, A678V, A700V.
Identifiers: ClinVar variation 3354884 (VCV003354884.1).

ClinVar aggregate classification (germline): Uncertain significance (0 of 4 stars; one submission).

Conditions:
COL13A1-related disorder. Also called: COL13A1-related condition.

Submission:

PreventionGenetics, part of Exact Sciences
Classification: Uncertain significance for COL13A1-related condition. Last evaluated: 2024-08-19. Review status: no assertion criteria provided. Collection method: clinical testing. Allele origin: germline.
Comment: The COL13A1 c.2099C>T variant is predicted to result in the amino acid substitution p.Ala700Val. To our knowledge, this variant has not been reported in the literature. This variant is reported in 0.019% of alleles in individuals of South Asian descent in gnomAD. At this time, the clinical significance of this variant is uncertain due to the absence of conclusive functional and genetic evidence.